The following is an entry in ClinVar:

ClinVar aggregate classification (germline): Uncertain significance. Review status: criteria provided, multiple submitters, no conflicts (2 of 4 stars). 4 submissions from 4 submitters: Uncertain significance (3). 1 of the submissions does not count toward it. Last evaluated 2025-08-11.

Conditions:
Inborn genetic diseases. Identifiers: MedGen C0950123, MeSH D030342.
Nemaline myopathy 2 (NEM2). Also called: Nemaline myopathy 2, autosomal recessive. Identifiers: MedGen C1850569, MONDO:0009725, OMIM 256030.

Allele frequency attached by ClinVar (database versions not stated): ExAC 0.00001; TOPMed 0.00001.
gnomAD v4.1: 13 of 1,611,784 alleles (0.00081%); highest among the groups gnomAD compares: Non-Finnish European, 0.0011%; no homozygotes.

Submissions (4):

Ambry Genetics
Classification: Uncertain significance for Inborn genetic diseases. Last evaluated: 2025-08-11. Review status: criteria provided, single submitter. Criteria: Ambry Variant Classification Scheme 2023. Collection method: clinical testing. Allele origin: germline.

Labcorp Genetics (formerly Invitae), Labcorp
Classification: Uncertain significance for Nemaline myopathy 2. Last evaluated: 2021-08-20. Review status: criteria provided, single submitter. Criteria: Invitae Variant Classification Sherloc (09022015). Collection method: clinical testing. Allele origin: germline.
Comment: This sequence change replaces glycine with serine at codon 2311 of the NEB protein (p.Gly2311Ser). The glycine residue is moderately conserved and there is a small physicochemical difference between glycine and serine. This variant is present in population databases (rs757526825, ExAC 0.002%). This variant has not been reported in the literature in individuals affected with NEB-related conditions. Algorithms developed to predict the effect of missense changes on protein structure and function are either unavailable or do not agree on the potential impact of this missense change (SIFT: "Deleterious"; PolyPhen-2: "Not Available"; Align-GVGD: "Class C0"). In summary, the available evidence is currently insufficient to determine the role of this variant in disease. Therefore, it has been classified as a Variant of Uncertain Significance.

Revvity Omics, Revvity
Classification: Uncertain significance. Last evaluated: 2020-11-13. Review status: criteria provided, single submitter. Criteria: ACMG Guidelines, 2015. Collection method: clinical testing. Allele origin: germline.

Natera, Inc.
Classification: Uncertain significance for Nemaline myopathy type 2. Last evaluated: 2020-10-23. Review status: no assertion criteria provided. Collection method: clinical testing. Allele origin: germline. Not counted in ClinVar's aggregate classification.

NM_001164508.2(NEB):c.6931G>A (p.Gly2311Ser)

Gene: NEB (nebulin; minus strand). Cytogenetic location: 2q23.3.
Variant type: single nucleotide variant.
Coding change: c.6931G>A on transcript NM_001164508.2 (MANE Select); coding-DNA position 6931, G replaced by A.
Protein change: p.Gly2311Ser; replaces glycine 2311 with serine.
Molecular consequence: missense variant.
Genome position (GRCh38, 1-based): chr2:151,650,870, C>T on the plus strand (G>A on the coding strand, the complement: NEB is on the minus strand). VCF-style: chr2-151650870-C-T. GRCh37 (hg19) VCF-style: chr2-152507384-C-T.
Other names: c.6931G>A, p.Gly2311Ser (NM_001164507.2, NM_001271208.2, NM_004543.5); c.6931G>A (NM_004543.4); short protein forms G2311S.
Identifiers: ClinVar variation 1009805 (VCV001009805.13), dbSNP rs757526825, ClinGen allele CA1909953.